The following is an entry in ClinVar:

ClinVar aggregate classification (germline): Conflicting classifications of pathogenicity. Review status: criteria provided, conflicting classifications (1 of 4 stars). 4 submissions from 4 submitters: Uncertain significance (3); Likely benign (1). Last evaluated 2025-07-26.

Conditions:
Inborn genetic diseases. Identifiers: MedGen C0950123, MeSH D030342.

Allele frequency attached by ClinVar (database versions not stated): ExAC 0.00009; gnomAD exomes 0.00010 and 0.00006; TOPMed 0.00016; gnomAD 0.00017 and 0.00018; 1000 Genomes Project 0.00020; 1000 Genomes Project 30x 0.00047; ESP Exome Variant Server 0.00008.
gnomAD v4.1: 118 of 1,614,056 alleles (0.0073%); highest among the groups gnomAD compares: Middle Eastern, 0.049%; no homozygotes.

Submissions (4):

GeneDx
Classification: Uncertain significance. Last evaluated: 2025-07-26. Review status: criteria provided, single submitter. Criteria: GeneDx Variant Classification Process June 2021. Collection method: clinical testing. Allele origin: germline. Affected: yes.
Comment: In silico analysis supports that this missense variant has a deleterious effect on protein structure/function; Has not been previously published as pathogenic or benign to our knowledge

CeGaT Center for Human Genetics Tuebingen
Classification: Uncertain significance. Last evaluated: 2025-01-01. Review status: criteria provided, single submitter. Criteria: CeGaT Center For Human Genetics Tuebingen Variant Classification Criteria Version 2. Collection method: clinical testing. Allele origin: germline. Affected: yes. Observed: 1 variant allele.
Comment: THRB: PM2, PP2

Ambry Genetics
Classification: Uncertain significance for Inborn genetic diseases. Last evaluated: 2024-07-07. Review status: criteria provided, single submitter. Criteria: Ambry Variant Classification Scheme 2023. Collection method: clinical testing. Allele origin: germline.

Labcorp Genetics (formerly Invitae), Labcorp
Classification: Likely benign. Last evaluated: 2019-12-07. Review status: criteria provided, single submitter. Criteria: Invitae Variant Classification Sherloc (09022015). Collection method: clinical testing. Allele origin: germline.

NM_001354712.2(THRB):c.161C>T (p.Ser54Leu)

Gene: THRB (thyroid hormone receptor beta; minus strand). Cytogenetic location: 3p24.2.
Variant type: single nucleotide variant.
Coding change: c.161C>T on transcript NM_001354712.2 (MANE Select); coding-DNA position 161, C replaced by T.
Protein change: p.Ser54Leu; replaces serine 54 with leucine.
Molecular consequence: missense variant.
Genome position (GRCh38, 1-based): chr3:24,190,196, G>A on the plus strand (C>T on the coding strand, the complement: THRB is on the minus strand). VCF-style: chr3-24190196-G-A. GRCh37 (hg19) VCF-style: chr3-24231687-G-A.
Other names: c.161C>T, p.Ser54Leu (NM_000461.5, NM_001128176.3, NM_001128177.2 and 12 more transcripts); c.68C>T, p.Ser23Leu (NM_001354714.2, NM_001354715.2); c.161C>T (NM_000461.4); short protein forms S23L, S54L.
Identifiers: ClinVar variation 1086097 (VCV001086097.19), dbSNP rs141731067, ClinGen allele CA2287426.